The following is an entry in ClinVar:

ClinVar aggregate classification (germline): Uncertain significance. Review status: criteria provided, multiple submitters, no conflicts (2 of 4 stars). 2 submissions from 2 submitters: Uncertain significance (2). Last evaluated 2024-04-10.

Conditions:
Hereditary cancer-predisposing syndrome. Also called: Tumor predisposition; Hereditary Cancer Syndrome; Hereditary neoplastic syndrome; Neoplastic Syndromes, Hereditary. Identifiers: Orphanet 140162, MedGen C0027672, MeSH D009386, MONDO:0015356.
Fanconi anemia (FA). Also called: Fanconi's anemia. Identifiers: Orphanet 84, MedGen C0015625, MeSH D005199, MONDO:0019391.

Submissions (2):

Labcorp Genetics (formerly Invitae), Labcorp
Classification: Uncertain significance for Fanconi anemia. Last evaluated: 2024-04-10. Review status: criteria provided, single submitter. Criteria: Invitae Variant Classification Sherloc (09022015). Collection method: clinical testing. Allele origin: germline.
Comment: This sequence change replaces serine, which is neutral and polar, with leucine, which is neutral and non-polar, at codon 543 of the FANCC protein (p.Ser543Leu). This variant is not present in population databases (gnomAD no frequency). This variant has not been reported in the literature in individuals affected with FANCC-related conditions. ClinVar contains an entry for this variant (Variation ID: 2092843). Advanced modeling of protein sequence and biophysical properties (such as structural, functional, and spatial information, amino acid conservation, physicochemical variation, residue mobility, and thermodynamic stability) performed at Invitae indicates that this missense variant is not expected to disrupt FANCC protein function with a negative predictive value of 80%. In summary, the available evidence is currently insufficient to determine the role of this variant in disease. Therefore, it has been classified as a Variant of Uncertain Significance.

Ambry Genetics
Classification: Uncertain significance for Hereditary cancer-predisposing syndrome. Last evaluated: 2023-05-05. Review status: criteria provided, single submitter. Criteria: Ambry Variant Classification Scheme 2023. Collection method: clinical testing. Allele origin: germline.
Comment: The p.S543L variant (also known as c.1628C>T), located in coding exon 14 of the FANCC gene, results from a C to T substitution at nucleotide position 1628. The serine at codon 543 is replaced by leucine, an amino acid with dissimilar properties. This amino acid position is not well conserved in available vertebrate species. In addition, this alteration is predicted to be tolerated by in silico analysis. Since supporting evidence is limited at this time, the clinical significance of this alteration remains unclear.

NM_000136.3(FANCC):c.1628C>T (p.Ser543Leu)

Genes: AOPEP (aminopeptidase O (putative); plus strand), FANCC (FA complementation group C; minus strand). Cytogenetic location: 9q22.32.
Variant type: single nucleotide variant.
Coding change: c.1628C>T on transcript NM_000136.3 (MANE Select); coding-DNA position 1628, C replaced by T.
Protein change: p.Ser543Leu; replaces serine 543 with leucine.
Molecular consequence: missense variant.
Genome position (GRCh38, 1-based): chr9:95,101,756, G>A on the plus strand (C>T on the coding strand, the complement: FANCC is on the minus strand). VCF-style: chr9-95101756-G-A. GRCh37 (hg19) VCF-style: chr9-97864038-G-A.
Other names: c.1628C>T, p.Ser543Leu (NM_001243743.2); short protein forms S543L.
Identifiers: ClinVar variation 2092843 (VCV002092843.6), dbSNP rs867319477, ClinGen allele CA374104373.